The following is an entry in ClinVar:

NM_004484.4(GPC3):c.972T>C (p.Phe324=)

Gene: GPC3 (glypican 3; minus strand). Cytogenetic location: Xq26.2.
Variant type: single nucleotide variant.
Coding change: c.972T>C on transcript NM_004484.4 (MANE Select); coding-DNA position 972, T replaced by C.
Protein change: p.Phe324=; no amino-acid change (phenylalanine 324 retained).
Molecular consequence: synonymous variant.
Genome position (GRCh38, 1-based): chrX:133,753,542, A>G on the plus strand (T>C on the coding strand, the complement: GPC3 is on the minus strand). VCF-style: chrX-133753542-A-G. GRCh37 (hg19) VCF-style: chrX-132887569-A-G.
Other names: c.972T>C (NM_001164617.1); c.972T>C, p.Phe324= (NM_001164617.2); c.924T>C, p.Phe308= (NM_001164618.2); c.810T>C, p.Phe270= (NM_001164619.2).
Identifiers: ClinVar variation 239947 (VCV000239947.40), dbSNP rs183678432, ClinGen allele CA10520767.
Genomic context (GRCh38, chrX:133,753,542, plus strand): 5'-AGTGGTGGTCAGCTTTCCTGCATTCTTCTGGACATACTGGATAGAATCATGGATTGTTGA[A>G]AAGAGACCAAGCAGTACGTTCTCCATGTCATAGATTCTGTACATGCCATTCACAAGTTCT-3'
Protein context (NP_004475.1, residues 314-334): YDMENVLLGL[Phe324=]STIHDSIQYV

ClinVar aggregate classification (germline): Benign/Likely benign. Review status: criteria provided, multiple submitters, no conflicts (2 of 4 stars). 6 submissions from 6 submitters: Benign (3); Likely benign (2). 1 of the submissions does not count toward it. Last evaluated 2026-06-05.

Conditions:
GPC3-related disorder. Also called: GPC3-related condition.
Wilms tumor 1 (WT1). Also called: Wilms tumor, somatic. Identifiers: Orphanet 654, MedGen CN033288, MONDO:0008679, OMIM 194070.
Simpson-Golabi-Behmel syndrome type 1 (SGBS1). Also called: DYSPLASIA GIGANTISM SYNDROME, X-LINKED; GOLABI-ROSEN SYNDROME; GPC3-Related Simpson-Golabi-Behmel Syndrome Type 1; SIMPSON DYSMORPHIA SYNDROME; BULLDOG SYNDROME. Identifiers: Orphanet 373, MedGen C0796154, MONDO:0020602, OMIM 312870.

Allele frequency attached by ClinVar (database versions not stated): gnomAD 0.00004 and 0.00007; gnomAD exomes 0.00005 and 0.00015; TOPMed 0.00006; ExAC 0.00015; 1000 Genomes Project 0.00079; 1000 Genomes Project 30x 0.00083.
gnomAD v4.1: 69 of 1,209,119 alleles (0.0057%); highest among the groups gnomAD compares: East Asian, 0.11%; no homozygotes.

Submissions (6):

Women's Health and Genetics/Laboratory Corporation of America, LabCorp
Classification: Benign. Last evaluated: 2026-06-05. Review status: criteria provided, single submitter. Criteria: LabCorp Variant Classification Summary - May 2015. Collection method: clinical testing. Allele origin: germline.

Labcorp Genetics (formerly Invitae), Labcorp
Classification: Benign for Wilms tumor 1. Last evaluated: 2025-10-27. Review status: criteria provided, single submitter. Criteria: Invitae Variant Classification Sherloc (09022015). Collection method: clinical testing. Allele origin: germline.

KCCC/NGS Laboratory, Kuwait Cancer Control Center
Classification: Benign for Simpson-Golabi-Behmel syndrome type 1. Last evaluated: 2025-02-01. Review status: criteria provided, single submitter. Criteria: ACMG Guidelines, 2015. Collection method: clinical testing. Allele origin: germline. Affected: no.

CeGaT Center for Human Genetics Tuebingen
Classification: Likely benign. Last evaluated: 2022-11-01. Review status: criteria provided, single submitter. Criteria: CeGaT Center For Human Genetics Tuebingen Variant Classification Criteria Version 2. Collection method: clinical testing. Allele origin: germline. Affected: yes. Observed: 1 variant allele.
Comment: GPC3: BP4, BP7, BS2

Fulgent Genetics
Classification: Likely benign for Wilms tumor 1; Simpson-Golabi-Behmel syndrome type 1. Last evaluated: 2022-03-29. Review status: criteria provided, single submitter. Criteria: ACMG Guidelines, 2015. Collection method: clinical testing. Allele origin: unknown.

PreventionGenetics, part of Exact Sciences
Classification: Likely benign for GPC3-related condition. Last evaluated: 2019-04-15. Review status: no assertion criteria provided. Collection method: clinical testing. Allele origin: germline. Not counted in ClinVar's aggregate classification.
Comment: This variant is classified as likely benign based on ACMG/AMP sequence variant interpretation guidelines (Richards et al. 2015 PMID: 25741868, with internal and published modifications).